The following is an entry in ClinVar:

NM_018127.7(ELAC2):c.33G>A (p.Ala11=)

Gene: ELAC2 (elaC ribonuclease Z 2; minus strand). Cytogenetic location: 17p12.
Variant type: single nucleotide variant.
Coding change: c.33G>A on transcript NM_018127.7 (MANE Select); coding-DNA position 33, G replaced by A.
Protein change: p.Ala11=; no amino-acid change (alanine 11 retained).
Molecular consequence: synonymous variant.
Genome position (GRCh38, 1-based): chr17:13,017,915, C>T on the plus strand (G>A on the coding strand, the complement: ELAC2 is on the minus strand). VCF-style: chr17-13017915-C-T. GRCh37 (hg19) VCF-style: chr17-12921232-C-T.
Other names: c.33G>A, p.Ala11= (NM_001165962.2, NM_173717.2).
Identifiers: ClinVar variation 1922617 (VCV001922617.23), dbSNP rs779595829, ClinGen allele CA8401854.

ClinVar aggregate classification (germline): Likely benign. Review status: criteria provided, multiple submitters, no conflicts (2 of 4 stars). 2 submissions from 2 submitters: Likely benign (2). Last evaluated 2025-02-14.

Conditions:
Combined oxidative phosphorylation defect type 17. Also called: Combined oxidative phosphorylation deficiency 17. Identifiers: Orphanet 369913, MedGen C3809526, MONDO:0014190, OMIM 615440.

Allele frequency attached by ClinVar (database versions not stated): ExAC 0.00008.

Submissions (2):

Labcorp Genetics (formerly Invitae), Labcorp
Classification: Likely benign for Combined oxidative phosphorylation defect type 17. Last evaluated: 2025-02-14. Review status: criteria provided, single submitter. Criteria: Invitae Variant Classification Sherloc (09022015). Collection method: clinical testing. Allele origin: germline.

CeGaT Center for Human Genetics Tuebingen
Classification: Likely benign. Last evaluated: 2024-06-01. Review status: criteria provided, single submitter. Criteria: CeGaT Center For Human Genetics Tuebingen Variant Classification Criteria Version 2. Collection method: clinical testing. Allele origin: germline. Affected: yes. Observed: 1 variant allele.
Comment: ELAC2: BP4, BP7